The following is an entry in ClinVar:

ClinVar aggregate classification (germline): Uncertain significance. Review status: criteria provided, multiple submitters, no conflicts (2 of 4 stars). 2 submissions from 2 submitters: Uncertain significance (2). Last evaluated 2025-05-15.

Conditions:
Inborn genetic diseases. Identifiers: MedGen C0950123, MeSH D030342.

Allele frequency attached by ClinVar (database versions not stated): gnomAD 0.00001; TOPMed 0.00001.
gnomAD v4.1: 1 of 1,613,218 alleles (0.000062%); highest among the groups gnomAD compares: Non-Finnish European, 0.000085%; no homozygotes.

Submissions (2):

Ambry Genetics
Classification: Uncertain significance for Inborn genetic diseases. Last evaluated: 2025-05-15. Review status: criteria provided, single submitter. Criteria: Ambry Variant Classification Scheme 2023. Collection method: clinical testing. Allele origin: germline.

Labcorp Genetics (formerly Invitae), Labcorp
Classification: Uncertain significance. Last evaluated: 2024-07-08. Review status: criteria provided, single submitter. Criteria: Invitae Variant Classification Sherloc (09022015). Collection method: clinical testing. Allele origin: germline.
Comment: This sequence change replaces lysine, which is basic and polar, with asparagine, which is neutral and polar, at codon 861 of the TOPORS protein (p.Lys861Asn). This variant is present in population databases (no rsID available, gnomAD 0.007%). This variant has not been reported in the literature in individuals affected with TOPORS-related conditions. ClinVar contains an entry for this variant (Variation ID: 1053129). Experimental studies and prediction algorithms are not available or were not evaluated, and the functional significance of this variant is currently unknown. In summary, the available evidence is currently insufficient to determine the role of this variant in disease. Therefore, it has been classified as a Variant of Uncertain Significance.

NM_005802.5(TOPORS):c.2583G>C (p.Lys861Asn)

Gene: TOPORS (TOP1 binding arginine/serine rich protein, E3 ubiquitin ligase; minus strand). Cytogenetic location: 9p21.1.
Variant type: single nucleotide variant.
Coding change: c.2583G>C on transcript NM_005802.5 (MANE Select); coding-DNA position 2583, G replaced by C.
Protein change: p.Lys861Asn; replaces lysine 861 with asparagine.
Molecular consequence: missense variant.
Genome position (GRCh38, 1-based): chr9:32,541,942, C>G on the plus strand (G>C on the coding strand, the complement: TOPORS is on the minus strand). VCF-style: chr9-32541942-C-G. GRCh37 (hg19) VCF-style: chr9-32541940-C-G.
Other names: c.2583G>C (NM_005802.4); c.2388G>C, p.Lys796Asn (NM_001195622.2); short protein forms K796N, K861N.
Identifiers: ClinVar variation 1053129 (VCV001053129.10), dbSNP rs1416918370, ClinGen allele CA373162564.